The following is an entry in ClinVar:

NM_001242896.3(DEPDC5):c.3978G>T (p.Arg1326Ser)

Gene: DEPDC5 (DEP domain containing 5, GATOR1 subcomplex subunit; plus strand). Cytogenetic location: 22q12.3.
Variant type: single nucleotide variant.
Coding change: c.3978G>T on transcript NM_001242896.3 (MANE Select); coding-DNA position 3978, G replaced by T.
Protein change: p.Arg1326Ser; replaces arginine 1326 with serine.
Molecular consequence: missense variant. On other transcripts: non-coding transcript variant (5).
Genome position (GRCh38, 1-based): chr22:31,879,697, G>T. VCF-style: chr22-31879697-G-T. GRCh37 (hg19) VCF-style: chr22-32275683-G-T.
Other names: c.3951G>T, p.Arg1317Ser (NM_001136029.4); c.3678G>T, p.Arg1226Ser (NM_001242897.2); c.3912G>T, p.Arg1304Ser (NM_001363852.2, NM_001364320.2); c.3744G>T, p.Arg1248Ser (NM_001363854.2, NM_001364319.2); c.3978G>T, p.Arg1326Ser (NM_001364318.2); c.3894G>T, p.Arg1298Ser (NM_001369901.1, NM_001369902.1); c.3885G>T, p.Arg1295Ser (NM_001369903.1, NM_014662.6); short protein forms R1226S, R1326S, R1295S, R1298S, R1304S, R1248S, R1317S.
Identifiers: ClinVar variation 422100 (VCV000422100.3), dbSNP rs374647774, ClinGen allele CA10197153.

ClinVar aggregate classification (germline): Uncertain significance (1 of 4 stars; one submission).

Allele frequency attached by ClinVar (database versions not stated): gnomAD exomes below 0.00001; TOPMed below 0.00001; ExAC 0.00001; ESP Exome Variant Server 0.00008.
gnomAD v4.1: 1 of 1,614,146 alleles (0.000062%); highest among the groups gnomAD compares: Non-Finnish European, 0.000085%; no homozygotes.

Submission:

GeneDx
Classification: Uncertain significance. Last evaluated: 2024-01-05. Review status: criteria provided, single submitter. Criteria: GeneDx Variant Classification Process June 2021. Collection method: clinical testing. Allele origin: germline. Affected: yes.
Comment: Not observed at significant frequency in large population cohorts (gnomAD); In silico analysis supports that this missense variant does not alter protein structure/function; Has not been previously published as pathogenic or benign to our knowledge